The following is an entry in ClinVar:

ClinVar aggregate classification (germline): Likely pathogenic. Review status: criteria provided, multiple submitters, no conflicts (2 of 4 stars). 2 submissions from 2 submitters: Likely pathogenic (2). Last evaluated 2024-09-07.

Conditions:
Dyskeratosis congenita, autosomal dominant 2. Identifiers: MedGen C3151443, MONDO:0013521, OMIM 613989.
Idiopathic Pulmonary Fibrosis. Also called: Idiopathic fibrosing alveolitis, chronic form; idiopathic fibrosing alveolitis. Identifiers: Orphanet 2032, MedGen C1800706, MeSH D054990, MONDO:0800504.
TERT-related disorder. Also called: TERT-related disorders; TERT-related condition.

Allele frequency attached by ClinVar (database versions not stated): gnomAD 0.00001.
gnomAD v4.1: 1 of 1,576,138 alleles (0.000063%); highest among the groups gnomAD compares: African/African-American, 0.0014%; no homozygotes.

Submissions (2):

Blueprint Genetics
Classification: Likely pathogenic for TERT-related disorders. Last evaluated: 2024-09-07. Review status: criteria provided, single submitter. Criteria: ACMG Guidelines, 2015. Collection method: clinical testing. Allele origin: germline. Affected: yes. Observed: 1 variant allele.

Labcorp Genetics (formerly Invitae), Labcorp
Classification: Likely pathogenic for Dyskeratosis congenita, autosomal dominant 2; Idiopathic Pulmonary Fibrosis. Last evaluated: 2023-01-29. Review status: criteria provided, single submitter. Criteria: Invitae Variant Classification Sherloc (09022015). Collection method: clinical testing. Allele origin: germline.
Comment: This sequence change affects a donor splice site in intron 5 of the TERT gene. It is expected to disrupt RNA splicing. Variants that disrupt the donor or acceptor splice site typically lead to a loss of protein function (PMID: 16199547), and loss-of-function variants in TERT are known to be pathogenic (PMID: 16247010, 17460043). This variant is present in population databases (no rsID available, gnomAD 0.01%). This variant has not been reported in the literature in individuals affected with TERT-related conditions. Algorithms developed to predict the effect of sequence changes on RNA splicing suggest that this variant may disrupt the consensus splice site. In summary, the currently available evidence indicates that the variant is pathogenic, but additional data are needed to prove that conclusively. Therefore, this variant has been classified as Likely Pathogenic.

Literature cited by the submitters: PubMed 16199547 (cited by Labcorp Genetics (formerly Invitae), Labcorp); PubMed 16247010 (cited by Labcorp Genetics (formerly Invitae), Labcorp); PubMed 17460043 (cited by Labcorp Genetics (formerly Invitae), Labcorp).

NM_198253.3(TERT):c.2130+2T>G

Gene: TERT (telomerase reverse transcriptase; minus strand). Cytogenetic location: 5p15.33.
Variant type: single nucleotide variant.
Coding change: c.2130+2T>G on transcript NM_198253.3 (MANE Select); the canonical splice donor site of the intron after coding-DNA position 2130, T replaced by G.
Molecular consequence: splice donor variant.
Genome position (GRCh38, 1-based): chr5:1,279,289, A>C on the plus strand (T>G on the coding strand, the complement: TERT is on the minus strand). VCF-style: chr5-1279289-A-C. GRCh37 (hg19) VCF-style: chr5-1279404-A-C.
Other names: c.2130+2T>G (NM_001193376.3).
Identifiers: ClinVar variation 2943715 (VCV002943715.4), dbSNP rs1160960250, ClinGen allele CA359079897.